The following is an entry in ClinVar:

ClinVar aggregate classification (germline): Likely benign. Review status: criteria provided, single submitter (1 of 4 stars). 2 submissions from 2 submitters: Likely benign (1). 1 of the submissions does not count toward it. Last evaluated 2025-06-12.

Conditions:
KANK2-related disorder. Also called: KANK2-related condition.

Allele frequency attached by ClinVar (database versions not stated): 1000 Genomes Project 30x 0.00016; gnomAD 0.00016; 1000 Genomes Project 0.00020; ESP Exome Variant Server 0.00031; ExAC 0.00010; TOPMed 0.00014.
gnomAD v4.1: 65 of 1,612,258 alleles (0.004%); highest among the groups gnomAD compares: African/African-American, 0.041%; no homozygotes.

Submissions (2):

Labcorp Genetics (formerly Invitae), Labcorp
Classification: Likely benign. Last evaluated: 2025-06-12. Review status: criteria provided, single submitter. Criteria: Invitae Variant Classification Sherloc (09022015). Collection method: clinical testing. Allele origin: germline.

PreventionGenetics, part of Exact Sciences
Classification: Likely benign for KANK2-related condition. Last evaluated: 2022-12-15. Review status: no assertion criteria provided. Collection method: clinical testing. Allele origin: germline. Not counted in ClinVar's aggregate classification.
Comment: This variant is classified as likely benign based on ACMG/AMP sequence variant interpretation guidelines (Richards et al. 2015 PMID: 25741868, with internal and published modifications).

NM_001136191.3(KANK2):c.1914C>T (p.Pro638=)

Gene: KANK2 (KN motif and ankyrin repeat domains 2; minus strand). Cytogenetic location: 19p13.2.
Variant type: single nucleotide variant.
Coding change: c.1914C>T on transcript NM_001136191.3 (MANE Select); coding-DNA position 1914, C replaced by T.
Protein change: p.Pro638=; no amino-acid change (proline 638 retained).
Molecular consequence: synonymous variant.
Genome position (GRCh38, 1-based): chr19:11,174,627, G>A on the plus strand (C>T on the coding strand, the complement: KANK2 is on the minus strand). VCF-style: chr19-11174627-G-A. GRCh37 (hg19) VCF-style: chr19-11285303-G-A.
Other names: c.1938C>T (NM_015493.6); c.1914C>T, p.Pro638= (NM_001329451.2, NM_001379555.1, NM_001379556.1 and 7 more transcripts); c.1938C>T, p.Pro646= (NM_001379548.1, NM_001379549.1, NM_001379550.1 and 5 more transcripts).
Identifiers: ClinVar variation 2073775 (VCV002073775.6), dbSNP rs145788005, ClinGen allele CA9205461.